The following is an entry in ClinVar:

NM_024675.4(PALB2):c.470C>A (p.Ser157Ter)

Gene: PALB2 (partner and localizer of BRCA2; minus strand). Cytogenetic location: 16p12.2.
Variant type: single nucleotide variant.
Coding change: c.470C>A on transcript NM_024675.4 (MANE Select); coding-DNA position 470, C replaced by A.
Protein change: p.Ser157Ter; replaces serine 157 with a stop codon.
Molecular consequence: nonsense. On other transcripts: 5 prime UTR variant (8), intron variant (3).
Genome position (GRCh38, 1-based): chr16:23,636,076, G>T on the plus strand (C>A on the coding strand, the complement: PALB2 is on the minus strand). VCF-style: chr16-23636076-G-T. GRCh37 (hg19) VCF-style: chr16-23647397-G-T.
Other names: c.410C>A, p.Ser137Ter (NM_001407296.1); c.470C>A, p.Ser157Ter (NM_001407297.1, NM_001407298.1, NM_001407299.1 and 3 more transcripts); c.-416C>A (NM_001407304.1, NM_001407305.1, NM_001407306.1 and 5 more transcripts); c.48+5034C>A (NM_001407314.1); c.-105+5034C>A (NM_001407313.1, NM_001407312.1); short protein forms S137*, S157*.
Identifiers: ClinVar variation 2673861 (VCV002673861.1), dbSNP rs749078410, ClinGen allele CA395137141.
Genomic context (GRCh38, chr16:23,636,076, plus strand): 5'-TTTAGTCTTTTCCCAGACAATCTGAGTGAATCAGTGCCAAAGACACAGTCTCTCTCCTGT[G>T]AAATAAATGTCCTCTTCTGCTGCTTCTTTCTTCTGCTTGGCAGCTTCTGCTTTTGCTCAC-3'

ClinVar aggregate classification (germline): Pathogenic (1 of 4 stars; one submission).

Conditions:
Familial cancer of breast. Also called: Hereditary breast cancer; BREAST CANCER, FAMILIAL; hereditary breast carcinoma. Identifiers: Orphanet 227535, MedGen C0346153, MONDO:0016419, OMIM 114480. Disease mechanism: loss of function.

Submission:

Myriad Genetics, Inc.
Classification: Pathogenic for Familial cancer of breast. Last evaluated: 2023-09-06. Review status: criteria provided, single submitter. Criteria: Myriad Autosomal Dominant, Autosomal Recessive and X-Linked Classification Criteria (2023). Collection method: clinical testing. Allele origin: unknown.
Comment: This variant is considered pathogenic. This variant creates a termination codon and is predicted to result in premature protein truncation.